The following is an entry in ClinVar:

ClinVar aggregate classification (germline): Uncertain significance. Review status: criteria provided, multiple submitters, no conflicts (2 of 4 stars). 2 submissions from 2 submitters: Uncertain significance (2). Last evaluated 2022-07-28.

Conditions:
Mowat-Wilson syndrome (MOWS). Also called: Classic Mowat-Wilson Syndrome. Identifiers: Orphanet 2152, MedGen C1856113, MONDO:0009341, OMIM 235730.

Submissions (2):

Greenwood Genetic Center Diagnostic Laboratories, Greenwood Genetic Center
Classification: Uncertain significance. Last evaluated: 2022-07-28. Review status: criteria provided, single submitter. Criteria: ACMG Guidelines, 2015. Collection method: clinical testing. Allele origin: germline. Affected: yes.
Comment: PM2, PP3

Labcorp Genetics (formerly Invitae), Labcorp
Classification: Uncertain significance for Mowat-Wilson syndrome. Last evaluated: 2022-01-16. Review status: criteria provided, single submitter. Criteria: Invitae Variant Classification Sherloc (09022015). Collection method: clinical testing. Allele origin: germline.
Comment: In summary, the available evidence is currently insufficient to determine the role of this variant in disease. Therefore, it has been classified as a Variant of Uncertain Significance. Algorithms developed to predict the effect of missense changes on protein structure and function (SIFT, PolyPhen-2, Align-GVGD) all suggest that this variant is likely to be disruptive. This variant has not been reported in the literature in individuals affected with ZEB2-related conditions. This variant is not present in population databases (gnomAD no frequency). This sequence change replaces cysteine, which is neutral and slightly polar, with arginine, which is basic and polar, at codon 284 of the ZEB2 protein (p.Cys284Arg).

NM_014795.4(ZEB2):c.850T>C (p.Cys284Arg)

Gene: ZEB2 (zinc finger E-box binding homeobox 2; minus strand). Cytogenetic location: 2q22.3.
Variant type: single nucleotide variant.
Coding change: c.850T>C on transcript NM_014795.4 (MANE Select); coding-DNA position 850, T replaced by C.
Protein change: p.Cys284Arg; replaces cysteine 284 with arginine.
Molecular consequence: missense variant.
Genome position (GRCh38, 1-based): chr2:144,401,265, A>G on the plus strand (T>C on the coding strand, the complement: ZEB2 is on the minus strand). VCF-style: chr2-144401265-A-G. GRCh37 (hg19) VCF-style: chr2-145158832-A-G.
Other names: c.778T>C, p.Cys260Arg (NM_001171653.2); short protein forms C260R, C284R.
Identifiers: ClinVar variation 1710464 (VCV001710464.8), dbSNP rs2549107868, ClinGen allele CA348713601.